The following is an entry in ClinVar:

NM_002900.3(RBP3):c.1504G>C (p.Gly502Arg)

Gene: RBP3 (retinol binding protein 3; plus strand). Cytogenetic location: 10q11.22.
Variant type: single nucleotide variant.
Coding change: c.1504G>C on transcript NM_002900.3 (MANE Select); coding-DNA position 1504, G replaced by C.
Protein change: p.Gly502Arg; replaces glycine 502 with arginine.
Molecular consequence: missense variant.
Genome position (GRCh38, 1-based): chr10:47,349,988, G>C. VCF-style: chr10-47349988-G-C. GRCh37 (hg19) VCF-style: chr10-48389374-C-G.
Other names: short protein forms G502R.
Identifiers: ClinVar variation 1972393 (VCV001972393.5), dbSNP rs782181584, ClinGen allele CA206461953.

ClinVar aggregate classification (germline): Uncertain significance (1 of 4 stars; one submission).

Submission:

Labcorp Genetics (formerly Invitae), Labcorp
Classification: Uncertain significance. Last evaluated: 2022-07-02. Review status: criteria provided, single submitter. Criteria: Invitae Variant Classification Sherloc (09022015). Collection method: clinical testing. Allele origin: germline.
Comment: This variant is present in population databases (no rsID available, gnomAD 0.004%). This sequence change replaces glycine, which is neutral and non-polar, with arginine, which is basic and polar, at codon 502 of the RBP3 protein (p.Gly502Arg). This variant has not been reported in the literature in individuals affected with RBP3-related conditions. In summary, the available evidence is currently insufficient to determine the role of this variant in disease. Therefore, it has been classified as a Variant of Uncertain Significance. Algorithms developed to predict the effect of missense changes on protein structure and function are either unavailable or do not agree on the potential impact of this missense change (SIFT: "Deleterious"; PolyPhen-2: "Probably Damaging"; Align-GVGD: "Class C0").